The following is an entry in ClinVar:

NM_001042492.3(NF1):c.3279G>A (p.Val1093=)

Gene: NF1 (neurofibromin 1; plus strand). Cytogenetic location: 17q11.2.
Variant type: single nucleotide variant.
Coding change: c.3279G>A on transcript NM_001042492.3 (MANE Select); coding-DNA position 3279, G replaced by A.
Protein change: p.Val1093=; no amino-acid change (valine 1093 retained).
Molecular consequence: synonymous variant.
Genome position (GRCh38, 1-based): chr17:31,232,154, G>A. VCF-style: chr17-31232154-G-A. GRCh37 (hg19) VCF-style: chr17-29559172-G-A.
Other names: c.3279G>A, p.Val1093= (NM_000267.4).
Identifiers: ClinVar variation 1116263 (VCV001116263.9), dbSNP rs769134583, ClinGen allele CA499232262.

ClinVar aggregate classification (germline): Conflicting classifications of pathogenicity. Review status: criteria provided, conflicting classifications (1 of 4 stars). 3 submissions from 3 submitters: Uncertain significance (1); Likely benign (2). Last evaluated 2023-08-25.

Conditions:
Hereditary cancer-predisposing syndrome. Also called: Neoplastic Syndromes, Hereditary; Hereditary Cancer Syndrome; Hereditary neoplastic syndrome; Tumor predisposition. Identifiers: Orphanet 140162, MedGen C0027672, MeSH D009386, MONDO:0015356.
Cardiovascular phenotype. Identifiers: MedGen CN230736.
Neurofibromatosis, type 1 (NF1). Also called: Peripheral type neurofibromatosis; VON RECKLINGHAUSEN DISEASE; NEUROFIBROMATOSIS, TYPE I, SOMATIC; Neurofibromatosis, type I. Identifiers: Orphanet 636, MedGen C0027831, MONDO:0018975, OMIM 162200. Disease mechanism: loss of function.

Submissions (3):

Ambry Genetics
Classification: Likely benign for Cardiovascular phenotype; Hereditary cancer-predisposing syndrome. Last evaluated: 2023-08-25. Review status: criteria provided, single submitter. Criteria: Ambry Variant Classification Scheme 2023. Collection method: clinical testing. Allele origin: germline.

GeneDx
Classification: Uncertain significance. Last evaluated: 2023-05-09. Review status: criteria provided, single submitter. Criteria: GeneDx Variant Classification Process June 2021. Collection method: clinical testing. Allele origin: germline. Affected: yes.
Comment: Not observed at significant frequency in large population cohorts (gnomAD); In silico analysis supports that this variant does not alter splicing; Has not been previously published as pathogenic or benign to our knowledge

Labcorp Genetics (formerly Invitae), Labcorp
Classification: Likely benign for Neurofibromatosis, type 1. Last evaluated: 2022-10-17. Review status: criteria provided, single submitter. Criteria: Invitae Variant Classification Sherloc (09022015). Collection method: clinical testing. Allele origin: germline.